The following is an entry in ClinVar:

ClinVar aggregate classification (germline): Likely benign. Review status: criteria provided, single submitter (1 of 4 stars). 2 submissions from 2 submitters: Likely benign (1). 1 of the submissions does not count toward it. Last evaluated 2022-08-01.

Conditions:
TTN-related disorder. Also called: TTN-related disorders; TTN-related condition; TTN-related disease.
Dilated cardiomyopathy 1G (CMD1G). Identifiers: Orphanet 154, MedGen C1858763, MONDO:0011400, OMIM 604145.
Autosomal recessive limb-girdle muscular dystrophy type 2J (LGMDR10). Also called: MUSCULAR DYSTROPHY, LIMB-GIRDLE, AUTOSOMAL RECESSIVE 10; Limb-girdle muscular dystrophy, type 2J. Identifiers: Orphanet 140922, MedGen C1837342, MONDO:0012127, OMIM 608807.

Allele frequency attached by ClinVar (database versions not stated): TOPMed below 0.00001.
gnomAD v4.1: 1 of 1,613,212 alleles (0.000062%); highest among the groups gnomAD compares: Non-Finnish European, 0.000085%; no homozygotes.

Submissions (2):

Labcorp Genetics (formerly Invitae), Labcorp
Classification: Likely benign for Dilated cardiomyopathy 1G; Autosomal recessive limb-girdle muscular dystrophy type 2J. Last evaluated: 2022-08-01. Review status: criteria provided, single submitter. Criteria: Invitae Variant Classification Sherloc (09022015). Collection method: clinical testing. Allele origin: germline.

PreventionGenetics, part of Exact Sciences
Classification: Likely benign for TTN-related condition. Last evaluated: 2020-09-02. Review status: no assertion criteria provided. Collection method: clinical testing. Allele origin: germline. Not counted in ClinVar's aggregate classification.
Comment: This variant is classified as likely benign based on ACMG/AMP sequence variant interpretation guidelines (Richards et al. 2015 PMID: 25741868, with internal and published modifications).

NM_001267550.2(TTN):c.87429C>T (p.Gly29143=)

Genes: TTN (titin; minus strand), TTN-AS1 (TTN antisense RNA 1; plus strand). Cytogenetic location: 2q31.2.
Variant type: single nucleotide variant.
Coding change: c.87429C>T on transcript NM_001267550.2 (MANE Select); coding-DNA position 87429, C replaced by T.
Protein change: p.Gly29143=; no amino-acid change (glycine 29143 retained).
Molecular consequence: synonymous variant.
Genome position (GRCh38, 1-based): chr2:178,557,925, G>A on the plus strand (C>T on the coding strand, the complement: TTN is on the minus strand). VCF-style: chr2-178557925-G-A. GRCh37 (hg19) VCF-style: chr2-179422652-G-A.
Other names: c.82506C>T, p.Gly27502= (NM_001256850.1); c.60234C>T, p.Gly20078= (NM_003319.4); c.79725C>T, p.Gly26575= (NM_133378.4); c.60609C>T, p.Gly20203= (NM_133432.3); c.60810C>T, p.Gly20270= (NM_133437.4).
Identifiers: ClinVar variation 1673538 (VCV001673538.10), dbSNP rs1702137024, ClinGen allele CA430247271.